The following is an entry in ClinVar:

ClinVar aggregate classification (germline): Uncertain significance (1 of 4 stars; one submission).

Conditions:
Developmental and epileptic encephalopathy, 12 (DEE12). Identifiers: MedGen C3150988, MONDO:0013389, OMIM 613722.

Allele frequency attached by ClinVar (database versions not stated): gnomAD exomes below 0.00001.
gnomAD v4.1: 2 of 1,613,938 alleles (0.00012%); highest among the groups gnomAD compares: South Asian, 0.0022%; no homozygotes.

Submission:

Labcorp Genetics (formerly Invitae), Labcorp
Classification: Uncertain significance for Developmental and epileptic encephalopathy, 12. Last evaluated: 2021-01-08. Review status: criteria provided, single submitter. Criteria: Invitae Variant Classification Sherloc (09022015). Collection method: clinical testing. Allele origin: germline.
Comment: This variant is not present in population databases (ExAC no frequency). This sequence change replaces lysine with arginine at codon 714 of the PLCB1 protein (p.Lys714Arg). The lysine residue is moderately conserved and there is a small physicochemical difference between lysine and arginine. This variant has not been reported in the literature in individuals with PLCB1-related conditions. Algorithms developed to predict the effect of missense changes on protein structure and function (SIFT, PolyPhen-2, Align-GVGD) all suggest that this variant is likely to be tolerated, but these predictions have not been confirmed by published functional studies and their clinical significance is uncertain. In summary, the available evidence is currently insufficient to determine the role of this variant in disease. Therefore, it has been classified as a Variant of Uncertain Significance.

NM_015192.4(PLCB1):c.2141A>G (p.Lys714Arg)

Gene: PLCB1 (phospholipase C beta 1; plus strand). Cytogenetic location: 20p12.3.
Variant type: single nucleotide variant.
Coding change: c.2141A>G on transcript NM_015192.4 (MANE Select); coding-DNA position 2141, A replaced by G.
Protein change: p.Lys714Arg; replaces lysine 714 with arginine.
Molecular consequence: missense variant.
Genome position (GRCh38, 1-based): chr20:8,737,125, A>G. VCF-style: chr20-8737125-A-G. GRCh37 (hg19) VCF-style: chr20-8717772-A-G.
Other names: c.2141A>G, p.Lys714Arg (NM_182734.3); short protein forms K714R.
Identifiers: ClinVar variation 1402705 (VCV001402705.8), dbSNP rs2123510534, ClinGen allele CA408206875.